The following is an entry in ClinVar:

ClinVar aggregate classification (germline): Uncertain significance (1 of 4 stars; one submission).

Conditions:
Tietz syndrome (TADS). Also called: ALBINISM-DEAFNESS OF TIETZ; HYPOPIGMENTATION/DEAFNESS OF TIETZ; TIETZ ALBINISM-DEAFNESS SYNDROME. Identifiers: Orphanet 42665, MedGen C0391816, MONDO:0007077, OMIM 103500.
Waardenburg syndrome type 2A (WS2A). Also called: WAARDENBURG SYNDROME WITHOUT DYSTOPIA CANTHORUM. Identifiers: Orphanet 3440, MedGen C1860339, MONDO:0008671, OMIM 193510.
Melanoma, cutaneous malignant, susceptibility to, 8. Also called: MELANOMA AND RENAL CELL CARCINOMA, SUSCEPTIBILITY TO; Cutaneous malignant melanoma 8. Identifiers: Orphanet 293822, MedGen C3152204, MONDO:0013759, OMIM 614456.

Submission:

Labcorp Genetics (formerly Invitae), Labcorp
Classification: Uncertain significance for Melanoma, cutaneous malignant, susceptibility to, 8; Waardenburg syndrome type 2A; Tietz syndrome. Last evaluated: 2025-02-27. Review status: criteria provided, single submitter. Criteria: Invitae Variant Classification Sherloc (09022015). Collection method: clinical testing. Allele origin: germline.
Comment: This sequence change replaces serine, which is neutral and polar, with alanine, which is neutral and non-polar, at codon 82 of the MITF protein (p.Ser82Ala). This variant is not present in population databases (gnomAD no frequency). This variant has not been reported in the literature in individuals affected with MITF-related conditions. Invitae Evidence Modeling of protein sequence and biophysical properties (such as structural, functional, and spatial information, amino acid conservation, physicochemical variation, residue mobility, and thermodynamic stability) indicates that this missense variant is not expected to disrupt MITF protein function with a negative predictive value of 80%. In summary, the available evidence is currently insufficient to determine the role of this variant in disease. Therefore, it has been classified as a Variant of Uncertain Significance.

NM_001354604.2(MITF):c.565T>G (p.Ser189Ala)

Gene: MITF (melanocyte inducing transcription factor; plus strand). Cytogenetic location: 3p13.
Variant type: single nucleotide variant.
Coding change: c.565T>G on transcript NM_001354604.2 (MANE Select); coding-DNA position 565, T replaced by G.
Protein change: p.Ser189Ala; replaces serine 189 with alanine.
Molecular consequence: missense variant. On other transcripts: intron variant (1).
Genome position (GRCh38, 1-based): chr3:69,938,032, T>G. VCF-style: chr3-69938032-T-G. GRCh37 (hg19) VCF-style: chr3-69987183-T-G.
Other names: c.244T>G, p.Ser82Ala (NM_000248.4, NM_001184968.2, NM_198158.3); c.409T>G, p.Ser137Ala (NM_001184967.2, NM_001354608.2); c.562T>G, p.Ser188Ala (NM_001354605.2, NM_001354606.2, NM_006722.3); c.514T>G, p.Ser172Ala (NM_001354607.2); c.565T>G, p.Ser189Ala (NM_198159.3); c.517T>G, p.Ser173Ala (NM_198177.3); c.93+151T>G (NM_198178.3); short protein forms S137A, S173A, S188A, S189A, S82A, S172A.
Identifiers: ClinVar variation 4782840 (VCV004782840.1).